The following is an entry in ClinVar:

ClinVar aggregate classification (germline): Likely pathogenic (1 of 4 stars; one submission).

Conditions:
Multiple endocrine neoplasia, type 1 (MEN1). Also called: MEN I; WERMER SYNDROME; Endocrine adenomatosis multiple; MEN 1; MEA I. Identifiers: Orphanet 652, MedGen C0025267, MeSH D018761, MONDO:0007540, OMIM 131100.

Allele frequency attached by ClinVar (database versions not stated): gnomAD exomes below 0.00001.
gnomAD v4.1: 2 of 1,614,052 alleles (0.00012%); highest among the groups gnomAD compares: Non-Finnish European, 0.00017%; no homozygotes.

Submission:

Labcorp Genetics (formerly Invitae), Labcorp
Classification: Likely pathogenic for Multiple endocrine neoplasia, type 1. Last evaluated: 2024-02-23. Review status: criteria provided, single submitter. Criteria: Invitae Variant Classification Sherloc (09022015). Collection method: clinical testing. Allele origin: germline.
Comment: This sequence change affects a donor splice site in intron 2 of the MEN1 gene. It is expected to disrupt RNA splicing. Variants that disrupt the donor or acceptor splice site typically lead to a loss of protein function (PMID: 16199547), and loss-of-function variants in MEN1 are known to be pathogenic (PMID: 12112656, 17853334). This variant is not present in population databases (gnomAD no frequency). This variant has not been reported in the literature in individuals affected with MEN1-related conditions. Algorithms developed to predict the effect of sequence changes on RNA splicing suggest that this variant may disrupt the consensus splice site. In summary, the currently available evidence indicates that the variant is pathogenic, but additional data are needed to prove that conclusively. Therefore, this variant has been classified as Likely Pathogenic.

Literature cited by the submitters: PubMed 16199547; PubMed 12112656; PubMed 17853334.

NM_001370259.2(MEN1):c.445+1G>A

Gene: MEN1 (menin 1; minus strand). Cytogenetic location: 11q13.1.
Variant type: single nucleotide variant.
Coding change: c.445+1G>A on transcript NM_001370259.2 (MANE Select); the canonical splice donor site of the intron after coding-DNA position 445, G replaced by A.
Molecular consequence: splice donor variant. On other transcripts: missense variant (8), non-coding transcript variant (2).
Genome position (GRCh38, 1-based): chr11:64,809,664, C>T on the plus strand (G>A on the coding strand, the complement: MEN1 is on the minus strand). VCF-style: chr11-64809664-C-T. GRCh37 (hg19) VCF-style: chr11-64577136-C-T.
Other names: c.446G>A, p.Gly149Asp (NM_130803.3, NM_130804.3, NM_000244.4 and 5 more transcripts); c.445+1G>A (NM_001407148.1, NM_130799.3, NM_001407144.1 and 12 more transcripts); short protein forms G149D.
Identifiers: ClinVar variation 2697892 (VCV002697892.3), dbSNP rs2497255432, ClinGen allele CA381186638.